The following is an entry in ClinVar:

ClinVar aggregate classification (germline): Uncertain significance. Review status: criteria provided, multiple submitters, no conflicts (2 of 4 stars). 2 submissions from 2 submitters: Uncertain significance (2). Last evaluated 2025-04-24.

Conditions:
Infantile neuroaxonal dystrophy (NBIA2A). Also called: NEURODEGENERATION WITH BRAIN IRON ACCUMULATION 2A; SEITELBERGER DISEASE; Infantile neuroaxonal dystrophy 1. Identifiers: Orphanet 35069, MedGen C0270724, MONDO:0024457, OMIM 256600.

Allele frequency attached by ClinVar (database versions not stated): TOPMed 0.00002; gnomAD exomes 0.00001; gnomAD 0.00006; ExAC 0.00001.
gnomAD v4.1: 19 of 1,612,926 alleles (0.0012%); highest among the groups gnomAD compares: African/African-American, 0.0093%; no homozygotes.

Submissions (2):

GeneDx
Classification: Uncertain significance. Last evaluated: 2025-04-24. Review status: criteria provided, single submitter. Criteria: GeneDx Variant Classification Process June 2021. Collection method: clinical testing. Allele origin: germline. Affected: yes.
Comment: Reported previously as a maternally inherited heterozygous variant in a patient with early-stage Crohn's disease who also harbored variants in other genes (PMID: 38163100); Not observed at significant frequency in large population cohorts (gnomAD); In silico analysis indicates that this missense variant does not alter protein structure/function; This variant is associated with the following publications: (PMID: 38163100)

Labcorp Genetics (formerly Invitae), Labcorp
Classification: Uncertain significance for Infantile neuroaxonal dystrophy. Last evaluated: 2022-10-19. Review status: criteria provided, single submitter. Criteria: Invitae Variant Classification Sherloc (09022015). Collection method: clinical testing. Allele origin: germline.
Comment: This sequence change replaces arginine, which is basic and polar, with cysteine, which is neutral and slightly polar, at codon 677 of the PLA2G6 protein (p.Arg677Cys). The frequency data for this variant in the population databases is considered unreliable, as metrics indicate poor data quality at this position in the gnomAD database. This variant has not been reported in the literature in individuals affected with PLA2G6-related conditions. ClinVar contains an entry for this variant (Variation ID: 1320694). Advanced modeling of protein sequence and biophysical properties (such as structural, functional, and spatial information, amino acid conservation, physicochemical variation, residue mobility, and thermodynamic stability) performed at Invitae indicates that this missense variant is not expected to disrupt PLA2G6 protein function. In summary, the available evidence is currently insufficient to determine the role of this variant in disease. Therefore, it has been classified as a Variant of Uncertain Significance.

NM_003560.4(PLA2G6):c.2029C>T (p.Arg677Cys)

Gene: PLA2G6 (phospholipase A2 group VI; minus strand). Cytogenetic location: 22q13.1.
Variant type: single nucleotide variant.
Coding change: c.2029C>T on transcript NM_003560.4 (MANE Select); coding-DNA position 2029, C replaced by T.
Protein change: p.Arg677Cys; replaces arginine 677 with cysteine.
Molecular consequence: missense variant.
Genome position (GRCh38, 1-based): chr22:38,115,532, G>A on the plus strand (C>T on the coding strand, the complement: PLA2G6 is on the minus strand). VCF-style: chr22-38115532-G-A. GRCh37 (hg19) VCF-style: chr22-38511539-G-A.
Other names: c.1867C>T, p.Arg623Cys (NM_001004426.3, NM_001199562.3, NM_001349865.2 and 1 more transcripts); c.2029C>T, p.Arg677Cys (NM_001349864.2); c.1495C>T, p.Arg499Cys (NM_001349867.2); c.1351C>T, p.Arg451Cys (NM_001349868.2); c.1333C>T, p.Arg445Cys (NM_001349869.2); short protein forms R445C, R451C, R499C, R623C, R677C.
Identifiers: ClinVar variation 1320694 (VCV001320694.6), dbSNP rs746514704, ClinGen allele CA10230653.